The following is an entry in ClinVar:

ClinVar aggregate classification (germline): Uncertain significance (1 of 4 stars; one submission).

Conditions:
Charcot-Marie-Tooth disease type 4. Also called: Charcot-Marie-Tooth disease, type IV; Charcot-Marie-Tooth, Type 4. Identifiers: Orphanet 64749, MedGen C4082197, MONDO:0018995.

Allele frequency attached by ClinVar (database versions not stated): gnomAD exomes 0.00001; TOPMed 0.00001.
gnomAD v4.1: 11 of 1,614,234 alleles (0.00068%); highest among the groups gnomAD compares: Non-Finnish European, 0.00093%; no homozygotes.

Submission:

Labcorp Genetics (formerly Invitae), Labcorp
Classification: Uncertain significance for Charcot-Marie-Tooth disease type 4. Last evaluated: 2021-09-01. Review status: criteria provided, single submitter. Criteria: Invitae Variant Classification Sherloc (09022015). Collection method: clinical testing. Allele origin: germline.
Comment: This sequence change replaces isoleucine with leucine at codon 59 of the NDRG1 protein (p.Ile59Leu). The isoleucine residue is highly conserved and there is a small physicochemical difference between isoleucine and leucine. This variant is not present in population databases (ExAC no frequency). This variant has not been reported in the literature in individuals affected with NDRG1-related conditions. Algorithms developed to predict the effect of missense changes on protein structure and function are either unavailable or do not agree on the potential impact of this missense change (SIFT: "Tolerated"; PolyPhen-2: "Probably Damaging"; Align-GVGD: "Class C0"). In summary, the available evidence is currently insufficient to determine the role of this variant in disease. Therefore, it has been classified as a Variant of Uncertain Significance.

NM_006096.4(NDRG1):c.175A>C (p.Ile59Leu)

Gene: NDRG1 (N-myc downstream regulated 1; minus strand). Cytogenetic location: 8q24.22.
Variant type: single nucleotide variant.
Coding change: c.175A>C on transcript NM_006096.4 (MANE Select); coding-DNA position 175, A replaced by C.
Protein change: p.Ile59Leu; replaces isoleucine 59 with leucine.
Molecular consequence: missense variant. On other transcripts: 5 prime UTR variant (2), intron variant (1).
Genome position (GRCh38, 1-based): chr8:133,264,577, T>G on the plus strand (A>C on the coding strand, the complement: NDRG1 is on the minus strand). VCF-style: chr8-133264577-T-G. GRCh37 (hg19) VCF-style: chr8-134276820-T-G.
Other names: c.175A>C, p.Ile59Leu (NM_001135242.2, NM_001374844.1, NM_001374845.1 and 1 more transcripts); c.-24A>C (NM_001258432.2, NM_001374847.1); c.-38-2410A>C (NM_001258433.2); short protein forms I59L.
Identifiers: ClinVar variation 1472085 (VCV001472085.5), dbSNP rs1404219858, ClinGen allele CA372256489.